The following is an entry in ClinVar:

ClinVar aggregate classification (germline): Benign/Likely benign. Review status: criteria provided, multiple submitters, no conflicts (2 of 4 stars). 5 submissions from 4 submitters: Benign (1); Likely benign (4). Last evaluated 2026-01-08.

Conditions:
LAMB2-related infantile-onset nephrotic syndrome. Also called: NEPHROTIC SYNDROME, TYPE 5, WITHOUT OCULAR ABNORMALITIES; NEPHROTIC SYNDROME, TYPE 5, WITH OCULAR ABNORMALITIES; Nephrotic Syndrome, type 5. Identifiers: Orphanet 306507, MedGen C3280113, MONDO:0013621, OMIM 614199.
Pierson syndrome. Also called: MICROCORIA-CONGENITAL NEPHROTIC SYNDROME. Identifiers: Orphanet 2670, MedGen C1836876, MONDO:0012184, OMIM 609049.

Allele frequency attached by ClinVar (database versions not stated): gnomAD 0.00002 and 0.00018; TOPMed 0.00009; ESP Exome Variant Server 0.00015; gnomAD exomes 0.00031 and 0.00063; 1000 Genomes Project 30x 0.00047; 1000 Genomes Project 0.00060; ExAC 0.00074.
gnomAD v4.1: 484 of 1,614,208 alleles (0.03%); highest among the groups gnomAD compares: South Asian, 0.45%; 3 homozygotes.

Submissions (5):

Labcorp Genetics (formerly Invitae), Labcorp
Classification: Benign for LAMB2-related infantile-onset nephrotic syndrome; Pierson syndrome. Last evaluated: 2026-01-08. Review status: criteria provided, single submitter. Criteria: Invitae Variant Classification Sherloc (09022015). Collection method: clinical testing. Allele origin: germline.

Blueprint Genetics
Classification: Likely benign. Last evaluated: 2024-10-01. Review status: criteria provided, single submitter. Criteria: ACMG Guidelines, 2015. Collection method: clinical testing. Allele origin: germline.

Illumina Laboratory Services, Illumina
Classification: Likely benign for LAMB2-related infantile-onset nephrotic syndrome. Last evaluated: 2018-01-13. Review status: criteria provided, single submitter. Criteria: ICSL Variant Classification Criteria 13 December 2019. Collection method: clinical testing. Allele origin: germline.
Comment: This variant was observed in the ICSL laboratory as part of a predisposition screen in an ostensibly healthy population. It had not been previously curated by ICSL or reported in the Human Gene Mutation Database (HGMD: prior to June 1st, 2018), and was therefore a candidate for classification through an automated scoring system. Utilizing variant allele frequency, disease prevalence and penetrance estimates, and inheritance mode, an automated score was calculated to assess if this variant is too frequent to cause the disease. Based on the score and internal cut-off values, a variant classified as likely benign is not then subjected to further curation. The score for this variant resulted in a classification of likely benign for this disease.

Illumina Laboratory Services, Illumina
Classification: Likely benign for Pierson syndrome. Last evaluated: 2018-01-13. Review status: criteria provided, single submitter. Criteria: ICSL Variant Classification Criteria 13 December 2019. Collection method: clinical testing. Allele origin: germline.
Comment: the same text as in the submission from Illumina Laboratory Services, Illumina above.

Breakthrough Genomics
Classification: Likely benign. Review status: criteria provided, single submitter. Criteria: ACMG Guidelines, 2015. Collection method: not provided. Allele origin: germline. Inheritance: Autosomal recessive inheritance. Affected: yes.

NM_002292.4(LAMB2):c.250-14C>T

Gene: LAMB2 (laminin subunit beta 2; minus strand). Cytogenetic location: 3p21.31.
Variant type: single nucleotide variant.
Coding change: c.250-14C>T on transcript NM_002292.4 (MANE Select); 14 bases into the intron before coding-DNA position 250, C replaced by T.
Molecular consequence: intron variant.
Genome position (GRCh38, 1-based): chr3:49,132,419, G>A on the plus strand (C>T on the coding strand, the complement: LAMB2 is on the minus strand). VCF-style: chr3-49132419-G-A. GRCh37 (hg19) VCF-style: chr3-49169852-G-A.
Identifiers: ClinVar variation 346013 (VCV000346013.14), dbSNP rs371403310, ClinGen allele CA2394984.